The following is an entry in ClinVar:

NM_000181.4(GUSB):c.38G>A (p.Gly13Glu)

Gene: GUSB (glucuronidase beta; minus strand). Cytogenetic location: 7q11.21.
Variant type: single nucleotide variant.
Coding change: c.38G>A on transcript NM_000181.4 (MANE Select); coding-DNA position 38, G replaced by A.
Protein change: p.Gly13Glu; replaces glycine 13 with glutamic acid.
Molecular consequence: missense variant. On other transcripts: 5 prime UTR variant (2), non-coding transcript variant (1).
Genome position (GRCh38, 1-based): chr7:65,982,146, C>T on the plus strand (G>A on the coding strand, the complement: GUSB is on the minus strand). VCF-style: chr7-65982146-C-T. GRCh37 (hg19) VCF-style: chr7-65447133-C-T.
Other names: c.38G>A, p.Gly13Glu (NM_001284290.2); c.-348G>A (NM_001293104.2); c.-292G>A (NM_001293105.2); short protein forms G13E.
Identifiers: ClinVar variation 1378082 (VCV001378082.7), dbSNP rs1237078772, ClinGen allele CA367655642.

ClinVar aggregate classification (germline): Uncertain significance. Review status: criteria provided, multiple submitters, no conflicts (2 of 4 stars). 2 submissions from 2 submitters: Uncertain significance (2). Last evaluated 2022-06-24.

Conditions:
Mucopolysaccharidosis type 7 (MPS7). Also called: SLY SYNDROME; BETA-GLUCURONIDASE DEFICIENCY; GUSB DEFICIENCY; MPS VII. Identifiers: Orphanet 584, MedGen C0085132, MONDO:0009662, OMIM 253220.

Allele frequency attached by ClinVar (database versions not stated): gnomAD exomes below 0.00001.
gnomAD v4.1: 2 of 1,537,462 alleles (0.00013%); highest among the groups gnomAD compares: Non-Finnish European, 0.00018%; no homozygotes.

Submissions (2):

Labcorp Genetics (formerly Invitae), Labcorp
Classification: Uncertain significance for Mucopolysaccharidosis type 7. Last evaluated: 2022-06-24. Review status: criteria provided, single submitter. Criteria: Invitae Variant Classification Sherloc (09022015). Collection method: clinical testing. Allele origin: germline.
Comment: This sequence change replaces glycine, which is neutral and non-polar, with glutamic acid, which is acidic and polar, at codon 13 of the GUSB protein (p.Gly13Glu). This variant is not present in population databases (gnomAD no frequency). This missense change has been observed in individual(s) with clinical features of MPS VII (Invitae). In at least one individual the data is consistent with being in trans (on the opposite chromosome) from a pathogenic variant. Algorithms developed to predict the effect of missense changes on protein structure and function (SIFT, PolyPhen-2, Align-GVGD) all suggest that this variant is likely to be tolerated. In summary, the available evidence is currently insufficient to determine the role of this variant in disease. Therefore, it has been classified as a Variant of Uncertain Significance.

Revvity Omics, Revvity
Classification: Uncertain significance for Mucopolysaccharidosis type 7. Last evaluated: 2021-04-12. Review status: criteria provided, single submitter. Criteria: ACMG Guidelines, 2015. Collection method: clinical testing. Allele origin: germline.